The following is an entry in ClinVar:

NM_016292.3(TRAP1):c.1619G>A (p.Arg540His)

Genes: DNASE1 (deoxyribonuclease 1; plus strand), TRAP1 (TNF receptor associated protein 1; minus strand). Cytogenetic location: 16p13.3.
Variant type: single nucleotide variant.
Coding change: c.1619G>A on transcript NM_016292.3 (MANE Select); coding-DNA position 1619, G replaced by A.
Protein change: p.Arg540His; replaces arginine 540 with histidine.
Molecular consequence: missense variant. On other transcripts: 3 prime UTR variant (1).
Genome position (GRCh38, 1-based): chr16:3,663,513, C>T on the plus strand (G>A on the coding strand, the complement: TRAP1 is on the minus strand). VCF-style: chr16-3663513-C-T. GRCh37 (hg19) VCF-style: chr16-3713514-C-T.
Other names: c.1460G>A, p.Arg487His (NM_001272049.2); c.*889C>T (NM_001387140.1); short protein forms R487H, R540H.
Identifiers: ClinVar variation 1943105 (VCV001943105.6), dbSNP rs141361125, ClinGen allele CA7867995.

ClinVar aggregate classification (germline): Uncertain significance. Review status: criteria provided, multiple submitters, no conflicts (2 of 4 stars). 2 submissions from 2 submitters: Uncertain significance (2). Last evaluated 2023-01-10.

gnomAD v4.1: 26 of 1,614,002 alleles (0.0016%); highest among the groups gnomAD compares: South Asian, 0.0099%; 1 homozygote.

Submissions (2):

Ambry Genetics
Classification: Uncertain significance. Last evaluated: 2023-01-10. Review status: criteria provided, single submitter. Criteria: Ambry Variant Classification Scheme 2023. Collection method: clinical testing. Allele origin: germline.

Labcorp Genetics (formerly Invitae), Labcorp
Classification: Uncertain significance. Last evaluated: 2022-06-15. Review status: criteria provided, single submitter. Criteria: Invitae Variant Classification Sherloc (09022015). Collection method: clinical testing. Allele origin: germline.
Comment: This sequence change replaces arginine, which is basic and polar, with histidine, which is basic and polar, at codon 540 of the TRAP1 protein (p.Arg540His). This variant is present in population databases (rs141361125, gnomAD 0.006%). This variant has not been reported in the literature in individuals affected with TRAP1-related conditions. Algorithms developed to predict the effect of missense changes on protein structure and function output the following: SIFT: "Tolerated"; PolyPhen-2: "Benign"; Align-GVGD: "Class C0". The histidine amino acid residue is found in multiple mammalian species, which suggests that this missense change does not adversely affect protein function. In summary, the available evidence is currently insufficient to determine the role of this variant in disease. Therefore, it has been classified as a Variant of Uncertain Significance.